The following is an entry in ClinVar:

NM_001253697.2(ERBIN):c.3756+5G>A

Gene: ERBIN (erbb2 interacting protein; plus strand). Cytogenetic location: 5q12.3.
Variant type: single nucleotide variant.
Coding change: c.3756+5G>A on transcript NM_001253697.2 (MANE Select); 5 bases into the intron after coding-DNA position 3756, G replaced by A.
Molecular consequence: intron variant.
Genome position (GRCh38, 1-based): chr5:66,072,296, G>A. VCF-style: chr5-66072296-G-A. GRCh37 (hg19) VCF-style: chr5-65368124-G-A.
Other names: c.3778-2728G>A (NM_001253699.2); c.3634-2728G>A (NM_018695.4, NM_001253698.2); c.3634-4020G>A (NM_001006600.3); c.3622-2728G>A (NM_001253701.2).
Identifiers: ClinVar variation 2107730 (VCV002107730.4), dbSNP rs1016673007, ClinGen allele CA2578364176.
Genomic context (GRCh38, chr5:66,072,296, plus strand): 5'-ACTACTCATCAGCCACACTTAGTCACAAAGATGTTCCTCCAGACAGCTTGATGAAAGTGG[G>A]TGCTCGGGAAAACAAAATGTAGTATCTGTGAGCTTTCTATATTTTGCAGCTTTTGGACTA-3'

ClinVar aggregate classification (germline): Uncertain significance (1 of 4 stars; one submission).

gnomAD v4.1: 10 of 1,549,612 alleles (0.00065%); highest among the groups gnomAD compares: Non-Finnish European, 0.00087%; no homozygotes.

Submission:

Labcorp Genetics (formerly Invitae), Labcorp
Classification: Uncertain significance. Last evaluated: 2022-03-09. Review status: criteria provided, single submitter. Criteria: Invitae Variant Classification Sherloc (09022015). Collection method: clinical testing. Allele origin: germline.
Comment: In summary, the available evidence is currently insufficient to determine the role of this variant in disease. Therefore, it has been classified as a Variant of Uncertain Significance. Variants that disrupt the consensus splice site are a relatively common cause of aberrant splicing (PMID: 17576681, 9536098). Algorithms developed to predict the effect of sequence changes on RNA splicing suggest that this variant is not likely to affect RNA splicing. This variant has not been reported in the literature in individuals affected with ERBIN-related conditions. This variant is not present in population databases (gnomAD no frequency). This sequence change falls in intron 22 of the ERBIN gene. It does not directly change the encoded amino acid sequence of the ERBIN protein. It affects a nucleotide within the consensus splice site.

Literature cited by the submitters: PubMed 17576681; PubMed 9536098.